The following is an entry in ClinVar:

ClinVar aggregate classification (germline): Likely pathogenic (1 of 4 stars; one submission).

Conditions:
Hypomagnesemia, seizures, and impaired intellectual development 1. Also called: Hypomagnesemia, seizures, and intellectual disability 1. Identifiers: Orphanet 34527, MedGen C4225333, MONDO:0020787, OMIM 616418.

Submission:

Institute of Human Genetics, University of Leipzig Medical Center
Classification: Likely pathogenic for Hypomagnesemia, seizures, and impaired intellectual development 1. Last evaluated: 2022-02-25. Review status: criteria provided, single submitter. Criteria: ACMG Guidelines, 2015. Collection method: clinical testing. Allele origin: maternal. Affected: yes.
Comment: _x000D_ Criteria applied: PVS1, PM2_SUP

NM_017649.5(CNNM2):c.312_315dup (p.Tyr106fs)

Gene: CNNM2 (cyclin and CBS domain divalent metal cation transport mediator 2; plus strand). Cytogenetic location: 10q24.32.
Variant type: Duplication.
Coding change: c.312_315dup on transcript NM_017649.5 (MANE Select); coding-DNA positions 312 to 315, 4 bases duplicated (GGTG; older notation c.312_315dupGGTG).
Protein change: p.Tyr106fs; shifts the reading frame from tyrosine 106.
Molecular consequence: frameshift variant.
Genome position (GRCh38, 1-based): chr10:102,918,792-102,918,795, GGTG duplicated; duplicating any 4 consecutive bases within chr10:102,918,791-102,918,795 gives the same sequence; the c. name uses the placement nearest the transcript's 3' end. VCF-style (leftmost placement, unchanged base first): chr10-102918790-C-CGGGT. GRCh37 (hg19) VCF-style: chr10-104678547-C-CGGGT.
Other names: c.312_315dup, p.Tyr106fs (NM_199076.3, NM_199077.3); short protein forms Y106fs.
Identifiers: ClinVar variation 1342906 (VCV001342906.1), dbSNP rs2134149229, ClinGen allele CA2573053232.
Genomic context (GRCh38, chr10:102,918,790, plus strand): 5'-GACGTGTCGTTCATGGAAGGGGGGGCGCTGCGGGTGAGCGAACGGACCCGGGTCAAGCTG[C>CGGGT]GGGTGTACGGGCAGAACATCAATAACGAGACGTGGTCCCGCATCGCCTTCACCGAGCACG-3'